The following is an entry in ClinVar:

NM_000439.5(PCSK1):c.595C>T (p.Arg199Ter)

Genes: CAST (calpastatin; plus strand), PCSK1 (proprotein convertase subtilisin/kexin type 1; minus strand), LOC101929710 (uncharacterized LOC101929710; plus strand). Cytogenetic location: 5q15.
Variant type: single nucleotide variant.
Coding change: c.595C>T on transcript NM_000439.5 (MANE Select); coding-DNA position 595, C replaced by T.
Protein change: p.Arg199Ter; replaces arginine 199 with a stop codon.
Molecular consequence: nonsense.
Genome position (GRCh38, 1-based): chr5:96,421,905, G>A on the plus strand (C>T on the coding strand, the complement: PCSK1 is on the minus strand). VCF-style: chr5-96421905-G-A. GRCh37 (hg19) VCF-style: chr5-95757609-G-A.
Other names: c.454C>T, p.Arg152Ter (NM_001177875.2); short protein forms R199*, R152*.
Identifiers: ClinVar variation 1710315 (VCV001710315.4), dbSNP rs1480597482, ClinGen allele CA360483627.
Genomic context (GRCh38, chr5:96,421,905, plus strand): 5'-AGTACTTTATTTCACACAAATGCATATTTACTCACTTGTTCTCGTTTGTGGGATCATATC[G>A]GGGAAATGGATCATGGTCATTATCATTAAAATCATAGCTAGCCTCTGGATCCTAAAGAGA-3'

ClinVar aggregate classification (germline): Pathogenic. Review status: criteria provided, multiple submitters, no conflicts (2 of 4 stars). 4 submissions from 4 submitters: Pathogenic (3). 1 of the submissions does not count toward it. Last evaluated 2026-07-15.

Conditions:
Obesity due to prohormone convertase I deficiency. Also called: OBESITY AND ENDOCRINOPATHY DUE TO IMPAIRED PROCESSING OF PROHORMONES. Identifiers: Orphanet 71528, MedGen C1833053, MONDO:0010961, OMIM 600955.
PCSK1-related disorder. Also called: PCSK1-related condition.

Allele frequency attached by ClinVar (database versions not stated): gnomAD 0.00001.
gnomAD v4.1: 8 of 1,584,670 alleles (0.0005%); highest among the groups gnomAD compares: Admixed American, 0.0017%; no homozygotes.

Submissions (4):

Victorian Clinical Genetics Services, Murdoch Childrens Research Institute
Classification: Pathogenic for Obesity due to prohormone convertase I deficiency. Last evaluated: 2026-07-15. Review status: criteria provided, single submitter. Criteria: ACMG Guidelines, 2015. Collection method: clinical testing. Allele origin: germline. Affected: yes.
Comment: This variant is classified as Pathogenic. Evidence in support of pathogenic classification: This variant is predicted to cause nonsense-mediated decay (NMD) and loss of protein (premature termination codon is located at least 54 nucleotides upstream of the final exon-exon junction); This variant is present in gnomAD <0.01 for a recessive condition (v4: 8 heterozygotes, 0 homozygote(s)); This variant has limited previous evidence of pathogenicity in unrelated individuals. Other variants comparable to the one identified in this case have very strong previous evidence for pathogenicity (DECIPHER). Additional information: This variant is homozygous; This gene is associated with autosomal recessive disease; Loss of function is a known mechanism of disease in this gene and is associated with endocrinopathy due to proprotein convertase 1/3 deficiency (MIM#600955).

PreventionGenetics, part of Exact Sciences
Classification: Pathogenic for PCSK1-related condition. Last evaluated: 2025-11-11. Review status: criteria provided, single submitter. Criteria: ACMG Guidelines, 2015. Collection method: clinical testing. Allele origin: germline.
Comment: The PCSK1 c.595C>T variant is predicted to result in premature protein termination (p.Arg199*). This variant has been reported homozygous in an individual with congenital proprotein convertase 1/3 deficiency (Pépin et al. 2019. PubMed ID: 30383237). This variant is reported in 0.12% of alleles in individuals of Latino descent in gnomAD. Nonsense variants in PCSK1 are expected to be pathogenic. This variant is interpreted as pathogenic.

GeneDx
Classification: Pathogenic. Last evaluated: 2024-11-26. Review status: criteria provided, single submitter. Criteria: GeneDx Variant Classification Process June 2021. Collection method: clinical testing. Allele origin: germline. Affected: yes.
Comment: Nonsense variant predicted to result in protein truncation or nonsense mediated decay in a gene for which loss of function is a known mechanism of disease; Not observed at significant frequency in large population cohorts (gnomAD); This variant is associated with the following publications: (PMID: 30383237, 36292633)

OMIM
Classification: Pathogenic for PROPROTEIN CONVERTASE 1/3 DEFICIENCY. Last evaluated: 2022-10-14. Review status: no assertion criteria provided. Collection method: literature only. Allele origin: germline. Not counted in ClinVar's aggregate classification.

Literature cited by the submitters: PubMed 30383237 (cited by Victorian Clinical Genetics Services, Murdoch Childrens Research Institute and OMIM).